The following is an entry in ClinVar:

NM_000642.3(AGL):c.3899T>G (p.Leu1300Ter)

Gene: AGL (amylo-alpha-1,6-glucosidase and 4-alpha-glucanotransferase; plus strand). Cytogenetic location: 1p21.2.
Variant type: single nucleotide variant.
Coding change: c.3899T>G on transcript NM_000642.3 (MANE Select); coding-DNA position 3899, T replaced by G.
Protein change: p.Leu1300Ter; replaces leucine 1300 with a stop codon.
Molecular consequence: nonsense.
Genome position (GRCh38, 1-based): chr1:99,912,467, T>G. VCF-style: chr1-99912467-T-G. GRCh37 (hg19) VCF-style: chr1-100378023-T-G.
Other names: c.3899T>G, p.Leu1300Ter (NM_000028.3, NM_000643.3, NM_000644.3 and 1 more transcripts); c.3851T>G, p.Leu1284Ter (NM_000646.3); c.3878T>G, p.Leu1293Ter (NM_001425326.1); c.3698T>G, p.Leu1233Ter (NM_001425327.1); c.3695T>G, p.Leu1232Ter (NM_001425328.1); c.3560T>G, p.Leu1187Ter (NM_001425329.1); c.3521T>G, p.Leu1174Ter (NM_001425332.1); short protein forms L1284*, L1300*, L1174*, L1187*, L1232*, L1233*, L1293*.
Identifiers: ClinVar variation 983724 (VCV000983724.3), dbSNP rs1654818141, ClinGen allele CA341338885.

ClinVar aggregate classification (germline): Likely pathogenic (1 of 4 stars; one submission).

Conditions:
Glycogen storage disease type III (GSD3). Also called: Cori disease; FORBES DISEASE. Identifiers: Orphanet 366, MedGen C0017922, MONDO:0009291, OMIM 232400.

Submission:

Myriad Genetics, Inc.
Classification: Likely pathogenic for Glycogen storage disease type III. Last evaluated: 2019-04-05. Review status: criteria provided, single submitter. Criteria: Myriad Women's Health Autosomal Recessive and X-Linked Classification Criteria (2019). Collection method: clinical testing. Allele origin: unknown.
Comment: NM_000642.2(AGL):c.3899T>G(L1300*) is expected to be pathogenic in the context of glycogen storage disease type III. This variant is predicted to lead to an abnormal or absent protein product due to the creation of a premature termination codon in AGL, a gene where loss-of-function variants are known to be pathogenic. Please note: this variant was assessed in the context of healthy population screening.